The following is an entry in ClinVar:

NM_005257.6(GATA6):c.834G>T (p.Glu278Asp)

Gene: GATA6 (GATA binding protein 6; plus strand). Cytogenetic location: 18q11.2.
Variant type: single nucleotide variant.
Coding change: c.834G>T on transcript NM_005257.6 (MANE Select); coding-DNA position 834, G replaced by T.
Protein change: p.Glu278Asp; replaces glutamic acid 278 with aspartic acid.
Molecular consequence: missense variant.
Genome position (GRCh38, 1-based): chr18:22,171,978, G>T. VCF-style: chr18-22171978-G-T. GRCh37 (hg19) VCF-style: chr18-19751939-G-T.
Other names: short protein forms E278D.
Identifiers: ClinVar variation 939262 (VCV000939262.9), dbSNP rs2033057637, ClinGen allele CA401801032.

ClinVar aggregate classification (germline): Uncertain significance (1 of 4 stars; one submission).

Conditions:
Atrioventricular septal defect 5 (AVSD5). Identifiers: MedGen C3280939, MONDO:0013769, OMIM 614474.

Submission:

Labcorp Genetics (formerly Invitae), Labcorp
Classification: Uncertain significance for Atrioventricular septal defect 5. Last evaluated: 2022-09-01. Review status: criteria provided, single submitter. Criteria: Invitae Variant Classification Sherloc (09022015). Collection method: clinical testing. Allele origin: germline.
Comment: This variant has not been reported in the literature in individuals affected with GATA6-related conditions. ClinVar contains an entry for this variant (Variation ID: 939262). Algorithms developed to predict the effect of missense changes on protein structure and function output the following: SIFT: "Tolerated"; PolyPhen-2: "Benign"; Align-GVGD: "Class C0". The aspartic acid amino acid residue is found in multiple mammalian species, which suggests that this missense change does not adversely affect protein function. In summary, the available evidence is currently insufficient to determine the role of this variant in disease. Therefore, it has been classified as a Variant of Uncertain Significance. This sequence change replaces glutamic acid, which is acidic and polar, with aspartic acid, which is acidic and polar, at codon 278 of the GATA6 protein (p.Glu278Asp). This variant is not present in population databases (gnomAD no frequency).